The following is an entry in ClinVar:

NM_001165963.4(SCN1A):c.4995G>A (p.Met1665Ile)

Genes: SCN1A (sodium voltage-gated channel alpha subunit 1; minus strand), LOC102724058 (uncharacterized LOC102724058; plus strand). Cytogenetic location: 2q24.3.
Variant type: single nucleotide variant.
Coding change: c.4995G>A on transcript NM_001165963.4 (MANE Select); coding-DNA position 4995, G replaced by A.
Protein change: p.Met1665Ile; replaces methionine 1665 with isoleucine.
Molecular consequence: missense variant. On other transcripts: non-coding transcript variant (1).
Genome position (GRCh38, 1-based): chr2:165,992,280, C>T on the plus strand (G>A on the coding strand, the complement: SCN1A is on the minus strand). VCF-style: chr2-165992280-C-T. GRCh37 (hg19) VCF-style: chr2-166848790-C-T.
Other names: p.M1665I:ATG>ATA; c.4911G>A, p.Met1637Ile (NM_001165964.3, NM_001353957.2, NM_001353958.2); c.4995G>A, p.Met1665Ile (NM_001202435.3, NM_001353948.2); c.4962G>A, p.Met1654Ile (NM_001353949.2, NM_001353950.2, NM_001353951.2 and 2 more transcripts); c.4959G>A, p.Met1653Ile (NM_001353954.2, NM_001353955.2); c.4908G>A, p.Met1636Ile (NM_001353960.2); c.2553G>A, p.Met851Ile (NM_001353961.2); short protein forms M1654I, M1665I, M851I, M1636I, M1637I, M1653I.
Identifiers: ClinVar variation 206855 (VCV000206855.5), dbSNP rs796053031, ClinGen allele CA317565.

ClinVar aggregate classification (germline): Likely pathogenic. Review status: criteria provided, multiple submitters, no conflicts (2 of 4 stars). 2 submissions from 2 submitters: Likely pathogenic (2). Last evaluated 2023-01-31.

Conditions:
Early-infantile DEE. Also called: Ohtahara syndrome; Early infantile epileptic encephalopathy; Early infantile epileptic encephalopathy with suppression bursts. Identifiers: Orphanet 1934, MedGen C0393706, MONDO:0800491.

Submissions (2):

Labcorp Genetics (formerly Invitae), Labcorp
Classification: Likely pathogenic for Early-infantile DEE. Last evaluated: 2023-01-31. Review status: criteria provided, single submitter. Criteria: Invitae Variant Classification Sherloc (09022015). Collection method: clinical testing. Allele origin: germline.
Comment: This sequence change replaces methionine, which is neutral and non-polar, with isoleucine, which is neutral and non-polar, at codon 1665 of the SCN1A protein (p.Met1665Ile). In summary, the currently available evidence indicates that the variant is pathogenic, but additional data are needed to prove that conclusively. Therefore, this variant has been classified as Likely Pathogenic. Advanced modeling of protein sequence and biophysical properties (such as structural, functional, and spatial information, amino acid conservation, physicochemical variation, residue mobility, and thermodynamic stability) performed at Invitae indicates that this missense variant is expected to disrupt SCN1A protein function. ClinVar contains an entry for this variant (Variation ID: 206855). This variant is also known as p.Met1654Ile. This missense change has been observed in individual(s) with clinical features of SCN1A-related disorders (PMID: 33108073; Invitae). This variant is not present in population databases (gnomAD no frequency).

GeneDx
Classification: Likely pathogenic. Last evaluated: 2013-03-15. Review status: criteria provided, single submitter. Criteria: GeneDx Variant Classification (06012015). Collection method: clinical testing. Allele origin: germline. Affected: yes.
Comment: p.Met1665Ile (ATG>ATA): c.4995 G>A in exon 26 of the SCN1A gene (NM_001165963.1) The Met1665Ile missense change has not been published as a mutation, nor has it been reported as a benign polymorphism to our knowledge. The NHLBI ESP Exome Variant Project has not identified Met1665Ile in approximately 6,500 individuals of European or African American ethnicity, indicating that it is not a common benign variant in these populations. The amino acid substitution is conservative, as Methionine and Isoleucine are both uncharged, non-polar amino acids. However, it alters a highly conserved position in the intracellular loop between the S4 and S5 segments of the fourth transmembrane domain, and multiple other missense mutations have been reported in this region of the protein in association with SCN1A-related disorders. Additionally, multiple in silico algorithms predict it may be damaging to protein structure/function. Therefore, based on the currently available information, Met1665Ile is a strong candidate for a disease-causing mutation, although the possibility that it is a benign variant cannot be excluded.The variant is found in INFANT-EPI panel(s).

Literature cited by the submitters: PubMed 33108073 (cited by Labcorp Genetics (formerly Invitae), Labcorp).